The following is an entry in ClinVar:

NM_005689.4(ABCB6):c.1355G>A (p.Arg452Gln)

Gene: ABCB6 (ATP binding cassette subfamily B member 6 (LAN blood group); minus strand). Cytogenetic location: 2q35.
Variant type: single nucleotide variant.
Coding change: c.1355G>A on transcript NM_005689.4 (MANE Select); coding-DNA position 1355, G replaced by A.
Protein change: p.Arg452Gln; replaces arginine 452 with glutamine.
Molecular consequence: missense variant.
Genome position (GRCh38, 1-based): chr2:219,214,420, C>T on the plus strand (G>A on the coding strand, the complement: ABCB6 is on the minus strand). VCF-style: chr2-219214420-C-T. GRCh37 (hg19) VCF-style: chr2-220079142-C-T.
Other names: c.1217G>A, p.Arg406Gln (NM_001349828.2); short protein forms R406Q, R452Q.
Identifiers: ClinVar variation 2980654 (VCV002980654.3), dbSNP rs775873530, ClinGen allele CA2119445.
Genomic context (GRCh38, chr2:219,214,420, plus strand): 5'-CACACCACTGCCACCGGGCCCTCTGTTACCGTCTCGAAGTTTAGCAGAGAGTCCACTGCT[C>T]GTGCCCGGGTAGCGTTCTCCTGTGTGTTCATAGCACGACGAAACTTGGTTCTCCACTCAG-3'
Protein context (NP_005680.1, residues 442-462): MNTQENATRA[Arg452Gln]AVDSLLNFET

ClinVar aggregate classification (germline): Uncertain significance (1 of 4 stars; one submission).

Allele frequency attached by ClinVar (database versions not stated): ExAC 0.00001; gnomAD exomes 0.00001; gnomAD 0.00002; TOPMed 0.00002.

Submission:

Labcorp Genetics (formerly Invitae), Labcorp
Classification: Uncertain significance. Last evaluated: 2023-04-10. Review status: criteria provided, single submitter. Criteria: Invitae Variant Classification Sherloc (09022015). Collection method: clinical testing. Allele origin: germline.
Comment: In summary, the available evidence is currently insufficient to determine the role of this variant in disease. Therefore, it has been classified as a Variant of Uncertain Significance. An algorithm developed to predict the effect of missense changes on protein structure and function (PolyPhen-2) suggests that this variant is likely to be disruptive. This variant has not been reported in the literature in individuals affected with ABCB6-related conditions. This variant is present in population databases (rs775873530, gnomAD 0.0009%). This sequence change replaces arginine, which is basic and polar, with glutamine, which is neutral and polar, at codon 452 of the ABCB6 protein (p.Arg452Gln).